The following is an entry in ClinVar:

NM_004525.3(LRP2):c.2105G>T (p.Arg702Leu)

Gene: LRP2 (LDL receptor related protein 2; minus strand). Cytogenetic location: 2q31.1.
Variant type: single nucleotide variant.
Coding change: c.2105G>T on transcript NM_004525.3 (MANE Select); coding-DNA position 2105, G replaced by T.
Protein change: p.Arg702Leu; replaces arginine 702 with leucine.
Molecular consequence: missense variant.
Genome position (GRCh38, 1-based): chr2:169,272,938, C>A on the plus strand (G>T on the coding strand, the complement: LRP2 is on the minus strand). VCF-style: chr2-169272938-C-A. GRCh37 (hg19) VCF-style: chr2-170129448-C-A.
Other names: short protein forms R702L.
Identifiers: ClinVar variation 5017991 (VCV005017991.1).

ClinVar aggregate classification (germline): Uncertain significance (1 of 4 stars; one submission).

gnomAD v4.1: 1 of 1,613,524 alleles (0.000062%); highest among the groups gnomAD compares: South Asian, 0.0011%; no homozygotes.

Submission:

GeneDx
Classification: Uncertain significance. Last evaluated: 2026-03-31. Review status: criteria provided, single submitter. Criteria: GeneDx Variant Classification Process June 2021. Collection method: clinical testing. Allele origin: germline.
Comment: Not observed at significant frequency in large population cohorts (gnomAD); In silico analysis supports that this missense variant has a deleterious effect on protein structure/function; Has not been previously published as pathogenic or benign to our knowledge